The following is an entry in ClinVar:

ClinVar aggregate classification (germline): Uncertain significance (1 of 4 stars; one submission).

Allele frequency attached by ClinVar (database versions not stated): ExAC 0.00002; gnomAD 0.00003; gnomAD exomes 0.00003; TOPMed 0.00003; ESP Exome Variant Server 0.00008.
gnomAD v4.1: 47 of 1,614,160 alleles (0.0029%); highest among the groups gnomAD compares: Non-Finnish European, 0.0034%; no homozygotes.

Submission:

Labcorp Genetics (formerly Invitae), Labcorp
Classification: Uncertain significance. Last evaluated: 2024-10-30. Review status: criteria provided, single submitter. Criteria: Invitae Variant Classification Sherloc (09022015). Collection method: clinical testing. Allele origin: germline.
Comment: This sequence change replaces aspartic acid, which is acidic and polar, with asparagine, which is neutral and polar, at codon 355 of the TUBB1 protein (p.Asp355Asn). This variant is present in population databases (rs374190153, gnomAD 0.004%). This variant has not been reported in the literature in individuals affected with TUBB1-related conditions. ClinVar contains an entry for this variant (Variation ID: 3018496). Invitae Evidence Modeling of protein sequence and biophysical properties (such as structural, functional, and spatial information, amino acid conservation, physicochemical variation, residue mobility, and thermodynamic stability) indicates that this missense variant is not expected to disrupt TUBB1 protein function with a negative predictive value of 80%. In summary, the available evidence is currently insufficient to determine the role of this variant in disease. Therefore, it has been classified as a Variant of Uncertain Significance.

NM_030773.4(TUBB1):c.1063G>A (p.Asp355Asn)

Gene: TUBB1 (tubulin beta 1 class VI; plus strand). Cytogenetic location: 20q13.32.
Variant type: single nucleotide variant.
Coding change: c.1063G>A on transcript NM_030773.4 (MANE Select); coding-DNA position 1063, G replaced by A.
Protein change: p.Asp355Asn; replaces aspartic acid 355 with asparagine.
Molecular consequence: missense variant.
Genome position (GRCh38, 1-based): chr20:59,024,490, G>A. VCF-style: chr20-59024490-G-A. GRCh37 (hg19) VCF-style: chr20-57599545-G-A.
Other names: short protein forms D355N.
Identifiers: ClinVar variation 3018496 (VCV003018496.3), dbSNP rs374190153, ClinGen allele CA9928646.